The following is an entry in ClinVar:

ClinVar aggregate classification (germline): Uncertain significance. Review status: criteria provided, multiple submitters, no conflicts (2 of 4 stars). 4 submissions from 4 submitters: Uncertain significance (4). Last evaluated 2025-10-03.

Conditions:
Inborn genetic diseases. Identifiers: MedGen C0950123, MeSH D030342.
Brody myopathy. Also called: BRODY DISEASE. Identifiers: Orphanet 53347, MedGen C1832918, MONDO:0010977, OMIM 601003.

Allele frequency attached by ClinVar (database versions not stated): gnomAD exomes 0.00005; TOPMed 0.00005; gnomAD 0.00006; ESP Exome Variant Server 0.00008.
gnomAD v4.1: 79 of 1,613,592 alleles (0.0049%); highest among the groups gnomAD compares: Non-Finnish European, 0.0065%; no homozygotes.

Submissions (4):

Athena Diagnostics
Classification: Uncertain significance. Last evaluated: 2025-10-03. Review status: criteria provided, single submitter. Criteria: Athena Diagnostics Criteria. Collection method: clinical testing. Allele origin: unknown.
Comment: Available data are insufficient to determine the clinical significance of the variant at this time. The frequency of this variant in the general population is uninformative in assessment of its pathogenicity. Computational tools yielded predictions that this variant may result in the gain of a cryptic splice site without affecting the natural splice sites. Polyphen and MutationTaster predict this amino acid change may be benign.

Ambry Genetics
Classification: Uncertain significance for Inborn genetic diseases. Last evaluated: 2023-05-05. Review status: criteria provided, single submitter. Criteria: Ambry Variant Classification Scheme 2023. Collection method: clinical testing. Allele origin: germline.

Labcorp Genetics (formerly Invitae), Labcorp
Classification: Uncertain significance for Brody myopathy. Last evaluated: 2021-08-30. Review status: criteria provided, single submitter. Criteria: Invitae Variant Classification Sherloc (09022015). Collection method: clinical testing. Allele origin: germline.
Comment: This sequence change replaces arginine with glutamine at codon 174 of the ATP2A1 protein (p.Arg174Gln). The arginine residue is moderately conserved and there is a small physicochemical difference between arginine and glutamine. This variant is present in population databases (rs149506518, ExAC 0.002%). This variant has not been reported in the literature in individuals affected with ATP2A1-related conditions. Algorithms developed to predict the effect of missense changes on protein structure and function are either unavailable or do not agree on the potential impact of this missense change (SIFT: "Deleterious"; PolyPhen-2: "Possibly Damaging"; Align-GVGD: "Class C0"). Algorithms developed to predict the effect of sequence changes on RNA splicing suggest that this variant may create or strengthen a splice site. In summary, the available evidence is currently insufficient to determine the role of this variant in disease. Therefore, it has been classified as a Variant of Uncertain Significance.

GeneDx
Classification: Uncertain significance. Last evaluated: 2019-11-18. Review status: criteria provided, single submitter. Criteria: GeneDx Variant Classification Process June 2021. Collection method: clinical testing. Allele origin: germline. Affected: yes.
Comment: Not observed at a significant frequency in large population cohorts (Lek et al., 2016); In silico analysis, which includes protein predictors and evolutionary conservation, supports a deleterious effect; Has not been previously published as pathogenic or benign to our knowledge

NM_004320.6(ATP2A1):c.521G>A (p.Arg174Gln)

Gene: ATP2A1 (ATPase sarcoplasmic/endoplasmic reticulum Ca2+ transporting 1; plus strand). Cytogenetic location: 16p11.2.
Variant type: single nucleotide variant.
Coding change: c.521G>A on transcript NM_004320.6 (MANE Select); coding-DNA position 521, G replaced by A.
Protein change: p.Arg174Gln; replaces arginine 174 with glutamine.
Molecular consequence: missense variant.
Genome position (GRCh38, 1-based): chr16:28,884,632, G>A. VCF-style: chr16-28884632-G-A. GRCh37 (hg19) VCF-style: chr16-28895953-G-A.
Other names: c.521G>A (NM_004320.4); c.146G>A, p.Arg49Gln (NM_001286075.2); c.521G>A, p.Arg174Gln (NM_173201.5); short protein forms R174Q, R49Q.
Identifiers: ClinVar variation 567860 (VCV000567860.10), dbSNP rs149506518, ClinGen allele CA7986674.